The following is an entry in ClinVar:

NM_021830.5(TWNK):c.1687G>A (p.Asp563Asn)

Gene: TWNK (twinkle mtDNA helicase; plus strand). Cytogenetic location: 10q24.31.
Variant type: single nucleotide variant.
Coding change: c.1687G>A on transcript NM_021830.5 (MANE Select); coding-DNA position 1687, G replaced by A.
Protein change: p.Asp563Asn; replaces aspartic acid 563 with asparagine.
Molecular consequence: missense variant. On other transcripts: non-coding transcript variant (5).
Genome position (GRCh38, 1-based): chr10:100,990,963, G>A. VCF-style: chr10-100990963-G-A. GRCh37 (hg19) VCF-style: chr10-102750720-G-A.
Other names: c.1687G>A, p.Asp563Asn (NM_001163812.2); c.325G>A, p.Asp109Asn (NM_001163813.2, NM_001163814.2, NM_001368275.1); short protein forms D109N, D563N.
Identifiers: ClinVar variation 2854685 (VCV002854685.3), dbSNP rs1851755202, ClinGen allele CA378211487.
Genomic context (GRCh38, chr10:100,990,963, plus strand): 5'-CGGAAGTTTGCAACAGACAATAACTGCCATGTGACACTGGTCATTCACCCCCGGAAAGAG[G>A]ATGATGACAAGGAACTGCAGACAGCGTCCATTTTTGGCTCAGCCAAAGTGAGTGGCCTTT-3'
Protein context (NP_068602.2, residues 553-573): VTLVIHPRKE[Asp563Asn]DDKELQTASI

ClinVar aggregate classification (germline): Uncertain significance (1 of 4 stars; one submission).

Allele frequency attached by ClinVar (database versions not stated): gnomAD exomes below 0.00001; TOPMed below 0.00001.
gnomAD v4.1: 1 of 1,614,256 alleles (0.000062%); highest among the groups gnomAD compares: Non-Finnish European, 0.000085%; no homozygotes.

Submission:

Labcorp Genetics (formerly Invitae), Labcorp
Classification: Uncertain significance. Last evaluated: 2024-10-23. Review status: criteria provided, single submitter. Criteria: Invitae Variant Classification Sherloc (09022015). Collection method: clinical testing. Allele origin: germline.
Comment: This sequence change replaces aspartic acid, which is acidic and polar, with asparagine, which is neutral and polar, at codon 563 of the TWNK protein (p.Asp563Asn). This variant is not present in population databases (gnomAD no frequency). This variant has not been reported in the literature in individuals affected with TWNK-related conditions. Invitae Evidence Modeling of protein sequence and biophysical properties (such as structural, functional, and spatial information, amino acid conservation, physicochemical variation, residue mobility, and thermodynamic stability) has been performed for this missense variant. However, the output from this modeling did not meet the statistical confidence thresholds required to predict the impact of this variant on TWNK protein function. In summary, the available evidence is currently insufficient to determine the role of this variant in disease. Therefore, it has been classified as a Variant of Uncertain Significance.